The following is an entry in ClinVar:

NM_153676.4(USH1C):c.274C>A (p.Arg92Ser)

Gene: USH1C (USH1 protein network component harmonin; minus strand). Cytogenetic location: 11p15.1.
Variant type: single nucleotide variant.
Coding change: c.274C>A on transcript NM_153676.4 (MANE Select); coding-DNA position 274, C replaced by A.
Protein change: p.Arg92Ser; replaces arginine 92 with serine.
Molecular consequence: missense variant. On other transcripts: non-coding transcript variant (1).
Genome position (GRCh38, 1-based): chr11:17,531,267, G>T on the plus strand (C>A on the coding strand, the complement: USH1C is on the minus strand). VCF-style: chr11-17531267-G-T. GRCh37 (hg19) VCF-style: chr11-17552814-G-T.
Other names: c.274C>A (NM_005709.3); c.274C>A, p.Arg92Ser (NM_001297764.2, NM_005709.4); short protein forms R92S.
Identifiers: ClinVar variation 1504751 (VCV001504751.4), dbSNP rs775407483, ClinGen allele CA379797328.
Genomic context (GRCh38, chr11:17,531,267, plus strand): 5'-GCCCACAGCCAAACTCCAGGCCACCACGCACACTCAGGCCGAGGCCTTCGGGGTGCAGAC[G>T]GTCCAGACGCACCTCCTTCAGCTTCCTGCCACACAGGAGAGGTCGGTGATGGTGCAGCTT-3'
Protein context (NP_710142.1, residues 82-102): SRKLKEVRLD[Arg92Ser]LHPEGLGLSV

ClinVar aggregate classification (germline): Uncertain significance. Review status: criteria provided, multiple submitters, no conflicts (2 of 4 stars). 2 submissions from 2 submitters: Uncertain significance (2). Last evaluated 2025-08-07.

Conditions:
Inborn genetic diseases. Identifiers: MedGen C0950123, MeSH D030342.

gnomAD v4.1: 9 of 1,614,130 alleles (0.00056%); highest among the groups gnomAD compares: Non-Finnish European, 0.00068%; no homozygotes.

Submissions (2):

Ambry Genetics
Classification: Uncertain significance for Inborn genetic diseases. Last evaluated: 2025-08-07. Review status: criteria provided, single submitter. Criteria: Ambry Variant Classification Scheme 2023. Collection method: clinical testing. Allele origin: germline.

Labcorp Genetics (formerly Invitae), Labcorp
Classification: Uncertain significance. Last evaluated: 2022-07-19. Review status: criteria provided, single submitter. Criteria: Invitae Variant Classification Sherloc (09022015). Collection method: clinical testing. Allele origin: germline.
Comment: This sequence change replaces arginine, which is basic and polar, with serine, which is neutral and polar, at codon 92 of the USH1C protein (p.Arg92Ser). This variant is not present in population databases (gnomAD no frequency). This variant has not been reported in the literature in individuals affected with USH1C-related conditions. ClinVar contains an entry for this variant (Variation ID: 1504751). Algorithms developed to predict the effect of missense changes on protein structure and function are either unavailable or do not agree on the potential impact of this missense change (SIFT: "Deleterious"; PolyPhen-2: "Possibly Damaging"; Align-GVGD: "Class C0"). Algorithms developed to predict the effect of sequence changes on RNA splicing suggest that this variant may create or strengthen a splice site. In summary, the available evidence is currently insufficient to determine the role of this variant in disease. Therefore, it has been classified as a Variant of Uncertain Significance.